The following is an entry in ClinVar:

NM_001371986.1(UNC80):c.3283C>T (p.Leu1095=)

Gene: UNC80 (unc-80 subunit of NALCN channel complex; plus strand). Cytogenetic location: 2q34.
Variant type: single nucleotide variant.
Coding change: c.3283C>T on transcript NM_001371986.1 (MANE Select); coding-DNA position 3283, C replaced by T.
Protein change: p.Leu1095=; no amino-acid change (leucine 1095 retained).
Molecular consequence: synonymous variant.
Genome position (GRCh38, 1-based): chr2:209,840,574, C>T. VCF-style: chr2-209840574-C-T. GRCh37 (hg19) VCF-style: chr2-210705298-C-T.
Other names: c.3289C>T, p.Leu1097= (NM_032504.2); c.3274C>T, p.Leu1092= (NM_182587.4).
Identifiers: ClinVar variation 1028454 (VCV001028454.4), dbSNP rs1174664470, ClinGen allele CA431095161.
Genomic context (GRCh38, chr2:209,840,574, plus strand): 5'-TGATCTAAGTGATTTAACTATTAAATAGGGAACTGGCTGAAGAGATCATCCCTCTCAGGC[C>T]TGGCAGATGGTGTGGAGGACCTCCTGGACATTAGCTCTGTGGACCGACTCTCTTTCATCA-3'
Protein context (NP_001358915.1, residues 1085-1105): NWLKRSSLSG[Leu1095=]ADGVEDLLDI

ClinVar aggregate classification (germline): Conflicting classifications of pathogenicity. Review status: criteria provided, conflicting classifications (1 of 4 stars). 2 submissions from 2 submitters: Uncertain significance (1); Likely benign (1). Last evaluated 2023-12-18.

Conditions:
Hypotonia, infantile, with psychomotor retardation and characteristic facies 2 (IHPRF2). Also called: UNC80 Deficiency. Identifiers: Orphanet 371364, Orphanet 700333, MedGen C4225203, MONDO:0014777, OMIM 616801.

Allele frequency attached by ClinVar (database versions not stated): gnomAD 0.00001; TOPMed 0.00001.
gnomAD v4.1: 8 of 1,551,734 alleles (0.00052%); highest among the groups gnomAD compares: Non-Finnish European, 0.0007%; no homozygotes.

Submissions (2):

Labcorp Genetics (formerly Invitae), Labcorp
Classification: Likely benign. Last evaluated: 2023-12-18. Review status: criteria provided, single submitter. Criteria: Invitae Variant Classification Sherloc (09022015). Collection method: clinical testing. Allele origin: germline.

Baylor Genetics
Classification: Uncertain significance for Hypotonia, infantile, with psychomotor retardation and characteristic facies 2. Last evaluated: 2020-09-22. Review status: criteria provided, single submitter. Criteria: ACMG Guidelines, 2015. Collection method: clinical testing. Allele origin: unknown. Affected: yes.
Comment: This variant was determined to be of uncertain significance according to ACMG Guidelines, 2015 [PMID:25741868].